The following is an entry in ClinVar:

NC_000003.11:g.(?_190026066)_(190127825_?)del

Genes: CLDN1 (claudin 1; minus strand), CLDN16 (claudin 16; plus strand). Cytogenetic location: 3q28.
Variant type: Deletion.
Identifiers: ClinVar variation 3247037 (VCV003247037.1).

ClinVar aggregate classification (germline): Pathogenic (1 of 4 stars; one submission).

Submission:

Labcorp Genetics (formerly Invitae), Labcorp
Classification: Pathogenic. Last evaluated: 2022-07-18. Review status: criteria provided, single submitter. Criteria: Invitae Variant Classification Sherloc (09022015). Collection method: clinical testing. Allele origin: unknown.
Comment: For these reasons, this variant has been classified as Pathogenic. This variant has not been reported in the literature in individuals affected with CLDN1-related conditions. A gross deletion of the genomic region encompassing the full coding sequence of the CLDN1 gene has been identified. Loss-of-function variants in CLDN1 are known to be pathogenic (PMID: 15521008, 16619213). The boundaries of this event are unknown as they extend beyond the assayed region for this gene and therefore may encompass additional genes.

Literature cited by the submitters: PubMed 15521008; PubMed 16619213.